The following is an entry in ClinVar:

ClinVar aggregate classification (germline): Uncertain significance (1 of 4 stars; one submission).

Conditions:
Hereditary cancer-predisposing syndrome. Also called: Neoplastic Syndromes, Hereditary; Tumor predisposition; Hereditary Cancer Syndrome; Hereditary neoplastic syndrome. Identifiers: Orphanet 140162, MedGen C0027672, MeSH D009386, MONDO:0015356.

Submission:

Ambry Genetics
Classification: Uncertain significance for Hereditary cancer-predisposing syndrome. Last evaluated: 2022-10-17. Review status: criteria provided, single submitter. Criteria: Ambry Variant Classification Scheme 2023. Collection method: clinical testing. Allele origin: germline.
Comment: The p.E1102V variant (also known as c.3305A>T), located in coding exon 27 of the POLE gene, results from an A to T substitution at nucleotide position 3305. The glutamic acid at codon 1102 is replaced by valine, an amino acid with dissimilar properties. This amino acid position is conserved. In addition, the in silico prediction for this alteration is inconclusive. Since supporting evidence is limited at this time, the clinical significance of this alteration remains unclear.

NM_006231.4(POLE):c.3305A>T (p.Glu1102Val)

Gene: POLE (DNA polymerase epsilon, catalytic subunit; minus strand). Cytogenetic location: 12q24.33.
Variant type: single nucleotide variant.
Coding change: c.3305A>T on transcript NM_006231.4 (MANE Select); coding-DNA position 3305, A replaced by T.
Protein change: p.Glu1102Val; replaces glutamic acid 1102 with valine.
Molecular consequence: missense variant.
Genome position (GRCh38, 1-based): chr12:132,657,941, T>A on the plus strand (A>T on the coding strand, the complement: POLE is on the minus strand). VCF-style: chr12-132657941-T-A. GRCh37 (hg19) VCF-style: chr12-133234527-T-A.
Other names: short protein forms E1102V.
Identifiers: ClinVar variation 1730018 (VCV001730018.2), dbSNP rs1555225324, ClinGen allele CA387389748.